The following is an entry in ClinVar:

NM_000053.4(ATP7B):c.4022-2A>C

Gene: ATP7B (ATPase copper transporting beta; minus strand). Cytogenetic location: 13q14.3.
Variant type: single nucleotide variant.
Coding change: c.4022-2A>C on transcript NM_000053.4 (MANE Select); the canonical splice acceptor site of the intron before coding-DNA position 4022, A replaced by C.
Molecular consequence: splice acceptor variant.
Genome position (GRCh38, 1-based): chr13:51,935,697, T>G on the plus strand (A>C on the coding strand, the complement: ATP7B is on the minus strand). VCF-style: chr13-51935697-T-G. GRCh37 (hg19) VCF-style: chr13-52509833-T-G.
Other names: c.3536-2A>C (NM_001406541.1, NM_001406542.1); c.3770-2A>C (NM_001406531.1, NM_001406532.1, NM_001330579.2); c.3788-2A>C (NM_001406527.1, NM_001406528.1, NM_001330578.2); c.3683-2A>C (NM_001406537.1); c.3878-2A>C (NM_001406521.1, NM_001406522.1, NM_001406520.1); c.4016-2A>C (NM_001406513.1); c.4022-2A>C (NM_001406511.1, NM_001406512.1); c.3530-2A>C (NM_001406543.1); and 21 more.
Identifiers: ClinVar variation 553709 (VCV000553709.4), dbSNP rs1555282816, ClinGen allele CA388020316.

ClinVar aggregate classification (germline): Likely pathogenic. Review status: criteria provided, multiple submitters, no conflicts (2 of 4 stars). 3 submissions from 3 submitters: Likely pathogenic (2). 1 of the submissions does not count toward it. Last evaluated 2025-06-23.

Conditions:
Wilson disease (WND). Also called: Wilson's disease. Identifiers: Orphanet 905, MedGen C0019202, MONDO:0010200, OMIM 277900. Disease mechanism: loss of function.

Submissions (3):

Color Diagnostics, LLC DBA Color Health
Classification: Likely pathogenic for Wilson disease. Last evaluated: 2025-06-23. Review status: criteria provided, single submitter. Criteria: ACMG Guidelines, 2015. Collection method: clinical testing. Allele origin: germline.
Comment: This variant causes an A to C nucleotide substitution at the -2 position of intron 19 the ATP7B protein. Splice site prediction tools suggest that this variant may have a significant impact on RNA splicing. Although this prediction has not been confirmed in published RNA studies in the literature, this variant is expected to result in a truncated protein product missing the functionally important C-terminal sequence of the gene (PMID: 21454443). This variant has not been reported in individuals affected with ATP7B-related disorders in the literature. This variant has not been identified in the general population by the Genome Aggregation Database (gnomAD). Loss of ATP7B function is a known mechanism of disease. Based on the available evidence, this variant is classified as Likely Pathogenic.

All of Us Research Program, National Institutes of Health
Classification: Likely pathogenic for Wilson disease. Last evaluated: 2023-10-02. Review status: criteria provided, single submitter. Criteria: ACMG Guidelines, 2015. Collection method: clinical testing. Allele origin: germline. Inheritance: Autosomal recessive inheritance. Observed: 1 variant allele, 1 heterozygote.
Comment: This variant causes an A to C nucleotide substitution at the -2 position of intron 19 the ATP7B protein. Splice site prediction tools suggest that this variant may have a significant impact on RNA splicing. Although this prediction has not been confirmed in published RNA studies in the literature, this variant is expected to result in a truncated protein product missing the functionally important C-terminal sequence of the gene (PMID: 21454443). This variant has not been reported in individuals affected with ATP7B-related disorders in the literature. This variant has not been identified in the general population by the Genome Aggregation Database (gnomAD). Loss of ATP7B function is a known mechanism of disease. Based on the available evidence, this variant is classified as Likely Pathogenic.

This study involves interpretation of variants in research participants for the purpose of population health screening. Participant phenotype was not available at the time of variant classification. Additional details can be found in publication PMID: 35346344, PMCID: PMC8962531

Counsyl
Classification: Likely pathogenic for Wilson disease. Last evaluated: 2017-09-05. Review status: no assertion criteria provided. Collection method: clinical testing. Allele origin: unknown. Not counted in ClinVar's aggregate classification.

Literature cited by the submitters: PubMed 21454443 (cited by Color Diagnostics, LLC DBA Color Health and All of Us Research Program, National Institutes of Health).